The following is an entry in ClinVar:

NM_003073.5(SMARCB1):c.362+1G>A

Gene: SMARCB1 (SWI/SNF related BAF chromatin remodeling complex subunit B1; plus strand). Cytogenetic location: 22q11.23.
Variant type: single nucleotide variant.
Coding change: c.362+1G>A on transcript NM_003073.5 (MANE Select); the canonical splice donor site of the intron after coding-DNA position 362, G replaced by A.
Molecular consequence: splice donor variant.
Genome position (GRCh38, 1-based): chr22:23,793,689, G>A. VCF-style: chr22-23793689-G-A. GRCh37 (hg19) VCF-style: chr22-24135876-G-A.
Other names: c.362+1G>A (NM_001362877.2); c.335+1G>A (NM_001317946.2, NM_001007468.3).
Identifiers: ClinVar variation 582116 (VCV000582116.8), dbSNP rs1568937197, ClinGen allele CA410934137.

ClinVar aggregate classification (germline): Pathogenic (1 of 4 stars; one submission).

Submission:

Labcorp Genetics (formerly Invitae), Labcorp
Classification: Pathogenic. Last evaluated: 2025-06-05. Review status: criteria provided, single submitter. Criteria: Invitae Variant Classification Sherloc (09022015). Collection method: clinical testing. Allele origin: germline.
Comment: This sequence change affects a donor splice site in intron 3 of the SMARCB1 gene. It is expected to disrupt RNA splicing. Variants that disrupt the donor or acceptor splice site typically lead to a loss of protein function (PMID: 16199547), and loss-of-function variants in SMARCB1 are known to be pathogenic (PMID: 10521299, 21208904). This variant is not present in population databases (gnomAD no frequency). Disruption of this splice site has been observed in individual(s) with autosomal dominant schwannomatosis (PMID: 18647326, 24525513). It has also been observed to segregate with disease in related individuals. ClinVar contains an entry for this variant (Variation ID: 582116). Algorithms developed to predict the effect of sequence changes on RNA splicing suggest that this variant may disrupt the consensus splice site. For these reasons, this variant has been classified as Pathogenic.

Literature cited by the submitters: PubMed 16199547; PubMed 10521299; PubMed 21208904; PubMed 18647326; PubMed 24525513.